The following is an entry in ClinVar:

NM_006904.7(PRKDC):c.11465A>C (p.Gln3822Pro)

Gene: PRKDC (protein kinase, DNA-activated, catalytic subunit; minus strand). Cytogenetic location: 8q11.21.
Variant type: single nucleotide variant.
Coding change: c.11465A>C on transcript NM_006904.7 (MANE Select); coding-DNA position 11465, A replaced by C.
Protein change: p.Gln3822Pro; replaces glutamine 3822 with proline.
Molecular consequence: missense variant. On other transcripts: intron variant (1).
Genome position (GRCh38, 1-based): chr8:47,782,186, T>G on the plus strand (A>C on the coding strand, the complement: PRKDC is on the minus strand). VCF-style: chr8-47782186-T-G. GRCh37 (hg19) VCF-style: chr8-48694747-T-G.
Other names: c.11396+192A>C (NM_001081640.2); short protein forms Q3822P.
Identifiers: ClinVar variation 1732463 (VCV001732463.2), dbSNP rs2551860338, ClinGen allele CA371129528.

ClinVar aggregate classification (germline): Uncertain significance (1 of 4 stars; one submission).

Submission:

Ambry Genetics
Classification: Uncertain significance. Last evaluated: 2021-07-14. Review status: criteria provided, single submitter. Criteria: Ambry Variant Classification Scheme 2023. Collection method: clinical testing. Allele origin: germline.
Comment: The p.Q3822P variant (also known as c.11465A>C), located in coding exon 80 of the PRKDC gene, results from an A to C substitution at nucleotide position 11465. The glutamine at codon 3822 is replaced by proline, an amino acid with similar properties. This amino acid position is conserved. In addition, this alteration is predicted to be tolerated by in silico analysis. Since supporting evidence is limited at this time, the clinical significance of this alteration remains unclear.